The following is an entry in ClinVar:

NM_002645.4(PIK3C2A):c.644A>G (p.Tyr215Cys)

Gene: PIK3C2A (phosphatidylinositol-4-phosphate 3-kinase catalytic subunit type 2 alpha; minus strand). Cytogenetic location: 11p15.1.
Variant type: single nucleotide variant.
Coding change: c.644A>G on transcript NM_002645.4 (MANE Select); coding-DNA position 644, A replaced by G.
Protein change: p.Tyr215Cys; replaces tyrosine 215 with cysteine.
Molecular consequence: missense variant. On other transcripts: intron variant (1).
Genome position (GRCh38, 1-based): chr11:17,169,098, T>C on the plus strand (A>G on the coding strand, the complement: PIK3C2A is on the minus strand). VCF-style: chr11-17169098-T-C. GRCh37 (hg19) VCF-style: chr11-17190645-T-C.
Other names: c.644A>G, p.Tyr215Cys (NM_001321378.2, NM_001386870.1); c.-75-13469A>G (NM_001321380.2); short protein forms Y215C.
Identifiers: ClinVar variation 1972508 (VCV001972508.6), dbSNP rs749804358, ClinGen allele CA5901524.

ClinVar aggregate classification (germline): Uncertain significance. Review status: criteria provided, multiple submitters, no conflicts (2 of 4 stars). 2 submissions from 2 submitters: Uncertain significance (2). Last evaluated 2025-05-25.

Allele frequency attached by ClinVar (database versions not stated): ExAC 0.00002; gnomAD 0.00002; TOPMed 0.00001; gnomAD exomes 0.00002.
gnomAD v4.1: 33 of 1,614,092 alleles (0.002%); highest among the groups gnomAD compares: Middle Eastern, 0.016%; no homozygotes.

Submissions (2):

Ambry Genetics
Classification: Uncertain significance. Last evaluated: 2025-05-25. Review status: criteria provided, single submitter. Criteria: Ambry Variant Classification Scheme 2023. Collection method: clinical testing. Allele origin: germline.

Labcorp Genetics (formerly Invitae), Labcorp
Classification: Uncertain significance. Last evaluated: 2022-07-19. Review status: criteria provided, single submitter. Criteria: Invitae Variant Classification Sherloc (09022015). Collection method: clinical testing. Allele origin: germline.
Comment: This sequence change replaces tyrosine, which is neutral and polar, with cysteine, which is neutral and slightly polar, at codon 215 of the PIK3C2A protein (p.Tyr215Cys). In summary, the available evidence is currently insufficient to determine the role of this variant in disease. Therefore, it has been classified as a Variant of Uncertain Significance. Algorithms developed to predict the effect of missense changes on protein structure and function output the following: SIFT: "Not Available"; PolyPhen-2: "Benign"; Align-GVGD: "Not Available". The cysteine amino acid residue is found in multiple mammalian species, which suggests that this missense change does not adversely affect protein function. This variant has not been reported in the literature in individuals affected with PIK3C2A-related conditions. This variant is present in population databases (rs749804358, gnomAD 0.006%).